The following is an entry in ClinVar:

NM_000540.3(RYR1):c.14511+4_14511+5del

Gene: RYR1 (ryanodine receptor 1; plus strand). Cytogenetic location: 19q13.2.
Variant type: Microsatellite.
Coding change: c.14511+4_14511+5del on transcript NM_000540.3 (MANE Select); bases 4 to 5 of the intron after coding-DNA position 14511, 2 bases deleted (TG; older notation c.14511+4_14511+5delTG).
Molecular consequence: splice donor variant.
Genome position (GRCh38, 1-based): chr19:38,580,132-38,580,133, TG deleted; deleting any 2 consecutive bases within chr19:38,580,129-38,580,133 gives the same sequence; the c. name uses the placement nearest the transcript's 3' end. VCF-style (leftmost placement, unchanged base first): chr19-38580128-GGT-G. GRCh37 (hg19) VCF-style: chr19-39070768-GGT-G.
Other names: c.14496+4_14496+5del (NM_001042723.2).
Identifiers: ClinVar variation 4758595 (VCV004758595.1).

ClinVar aggregate classification (germline): Uncertain significance (1 of 4 stars; one submission).

Conditions:
Malignant hyperthermia, susceptibility to, 1 (MHS1). Also called: RYR1-Related Malignant Hyperthermia Susceptibility; Malignant hyperthermia suceptibility 1; Anesthesia related hyperthermia; Malignant hyperpyrexia; Fulminating hyperpyrexia; Pharmacogenic myopathy. Identifiers: Orphanet 423, MedGen C2930980, MONDO:0007783, OMIM 145600.

Submission:

Color Diagnostics, LLC DBA Color Health
Classification: Uncertain significance for Malignant hyperthermia, susceptibility to, 1. Last evaluated: 2025-06-18. Review status: criteria provided, single submitter. Criteria: ACMG Guidelines, 2015. Collection method: clinical testing. Allele origin: germline.
Comment: This variant causes a deletion of two nucleotides at +4 and +5 positions in intron 100 in the RYR1 gene. To our knowledge, functional studies have not been reported for this variant. This variant has not been reported in individuals affected with RYR1-related disorders in the literature. This variant has not been identified in the general population by the Genome Aggregation Database (gnomAD). The available evidence is insufficient to determine the role of this variant in disease conclusively. Therefore, this variant is classified as a Variant of Uncertain Significance.